The following continues an entry in ClinVar:

NM_000059.4(BRCA2):c.7977-1G>C

Gene: BRCA2. ClinVar aggregate classification (germline): Pathogenic. Pathogenic (1).

Submissions 8 to 24 of 24:

Cambridge Genomics Laboratory, East Genomic Laboratory Hub, NHS Genomic Medicine Service
Classification: Pathogenic for Inherited breast cancer and ovarian cancer. Last evaluated: 2024-06-05. Review status: criteria provided, single submitter. Criteria: ACGS Best Practice Guidelines for Variant Classification in Rare Disease 2020. Collection method: clinical testing. Allele origin: germline. Affected: yes. Not counted in ClinVar's aggregate classification.
Comment: PVS1,PS4_Very Strong,PM2,PP4_Very Strong

Molecular Pathology, Peter Maccallum Cancer Centre
Classification: Pathogenic for Breast-ovarian cancer, familial, susceptibility to, 2. Last evaluated: 2024-02-23. Review status: criteria provided, single submitter. Criteria: ACMG Guidelines, 2015. Collection method: clinical testing. Allele origin: germline. Inheritance: Autosomal dominant inheritance. Not counted in ClinVar's aggregate classification.

Baylor Genetics
Classification: Pathogenic for Familial cancer of breast. Last evaluated: 2023-09-15. Review status: criteria provided, single submitter. Criteria: ACMG Guidelines, 2015. Collection method: clinical testing. Allele origin: unknown. Not counted in ClinVar's aggregate classification.

Women's Health and Genetics/Laboratory Corporation of America, LabCorp
Classification: Pathogenic for Hereditary breast ovarian cancer syndrome. Last evaluated: 2023-05-18. Review status: criteria provided, single submitter. Criteria: LabCorp Variant Classification Summary - May 2015. Collection method: clinical testing. Allele origin: germline. Not counted in ClinVar's aggregate classification.
Comment: Variant summary: BRCA2 c.7977-1G>C is located in a canonical splice-site and is predicted to affect mRNA splicing resulting in a significantly altered protein due to either exon skipping, shortening, or inclusion of intronic material. Several computational tools predict a significant impact on normal splicing: Four predict the variant abolishes a 3' acceptor site. At least one publication reported experimental evidence confirming that this variant affects mRNA splicing, by showing in a minigene assay several types of aberrant transcripts that exclude exon 18 (partly or fully), and no detectable canonical transcript (Fraile-Bethencourt_2017). The variant allele was found at a frequency of 4e-06 in 249640 control chromosomes (gnomAD). c.7977-1G>C has been reported in the literature in several individuals affected with breast, ovarian, and prostate cancer (e.g. Edwards_2003, Walsh_2011, Snape_2012, Jimenez_2013, Pritzlaff_2017, Dorling_2021). These data indicate that the variant is very likely to be associated with disease. 13 other submitters, including an expert panel (ENIGMA), have provided clinical-significance assessments for this variant in ClinVar after 2014 and all classified the variant as pathogenic. Based on the evidence outlined above, the variant was classified as pathogenic.

Clinical Genetics Laboratory, Skane University Hospital Lund
Classification: Pathogenic. Last evaluated: 2022-05-27. Review status: criteria provided, single submitter. Criteria: ACMG Guidelines, 2015. Collection method: clinical testing. Allele origin: germline. Affected: yes. Not counted in ClinVar's aggregate classification.

Sema4
Classification: Pathogenic for Hereditary cancer-predisposing syndrome. Last evaluated: 2022-03-18. Review status: criteria provided, single submitter. Criteria: Sema4 Curation Guidelines. Collection method: curation. Allele origin: germline. Not counted in ClinVar's aggregate classification.
Comment: The BRCA2 c.7977-1G>C variant has been reported in heterozygosity in numerous individuals with breast, ovarian, and prostate cancer (PMID: 12474142, 16211554, 22006311, 22527104, 23479189, 29446198, 33471991). It has also been reported in unaffected individuals with a family history of pancreatic cancer (PMID: 34399810, 32918181). In the literature, this variant is also known as IVS17-1G>C and c.8205-1G>C.This variant affects a nucleotide within a consensus splice site of an intron. Functional studies have shown that this variant leads to aberrant transcripts which skip exon 18 and result in a frameshift (PMID: 28339459, 16211554). At this location, nonsense-mediated decay is predicted to occur, resulting in a loss of gene function (PMID: 16211554). Loss of function variants in BRCA2 are known to be pathogenic (PMID: 29446198). This variant was observed in 2/128186 chromosomes in the Non-Finnish European population according to the Genome Aggregation Database (PMID: 32461654). The variant has been reported in ClinVar (Variation ID: 38132). Based on the current evidence available, this variant is interpreted as pathogenic.

GeneDx
Classification: Pathogenic. Last evaluated: 2022-01-24. Review status: criteria provided, single submitter. Criteria: GeneDx Variant Classification Process June 2021. Collection method: clinical testing. Allele origin: germline. Affected: yes. Not counted in ClinVar's aggregate classification.
Comment: Canonical splice site variant predicted to result in a null allele in a gene for which loss-of-function is a known mechanism of disease (Tesoriero 2005, Fraile-Bethencourt 2017); Observed in multiple families with Hereditary Breast and Ovarian Cancer (Walsh 2011, de Juan Jimenez 2013, Pritzlaff 2016); Truncating variants in this gene are considered pathogenic by a well-established clinical consortium and/or database; Not observed at a significant frequency in large population cohorts (gnomAD); Also known as 8205-1G>C; This variant is associated with the following publications: (PMID: 25085752, 21769658, 21285146, 25649125, 17063265, 12474142, 20513136, 20736950, 23479189, 22006311, 22527104, 20020529, 20002770, 20043088, 22962691, 22889855, 23747895, 17981615, 27225637, 16211554, 17419707, 28008555, 28339459, 29446198, 30720243, 33084842, 32918181, 31447099, 30787465)

Quest Diagnostics Nichols Institute San Juan Capistrano
Classification: Pathogenic. Last evaluated: 2021-11-05. Review status: criteria provided, single submitter. Criteria: Quest Diagnostics criteria. Collection method: clinical testing. Allele origin: unknown. Not counted in ClinVar's aggregate classification.
Comment: This variant disrupts a canonical splice-acceptor site and interferes with normal BRCA2 mRNA splicing. The frequency of this variant in the general population, 0.00004 (2/50340 chromosomes), is consistent with pathogenicity. In the published literature, the variant has been reported in individuals with breast, ovarian, peritoneal, and prostate cancer (PMIDs: 28008555 (2017), 25685387 (2015), 23569316 (2013), 22006311 (2011), 20736950 (2010), 12474142 (2003)). In addition, this variant has been reported to cause aberrant splicing and loss of exon 18 (PMIDs: 28339459 (2017), 16211554 (2005)). Based on the available information, this variant is classified as pathogenic.

Department of Pathology and Laboratory Medicine, Sinai Health System
Classification: Pathogenic for Familial prostate cancer. Last evaluated: 2021-09-29. Review status: criteria provided, single submitter. Criteria: ACMG Guidelines, 2015. Collection method: clinical testing. Allele origin: germline. Affected: yes. Not counted in ClinVar's aggregate classification.

Human Genome Sequencing Center Clinical Lab, Baylor College of Medicine
Classification: Pathogenic for Familial breast-ovarian cancer 2. Last evaluated: 2018-10-08. Review status: criteria provided, single submitter. Criteria: ACMG Guidelines, 2015. Collection method: clinical testing. Allele origin: germline. Not counted in ClinVar's aggregate classification.
Comment: This c.7977-1G>C variant in intron 17 of the BRCA2 gene is predicted to alter splicing at the acceptor site of exon 18 leading to an abnormal mRNA. This variant has been reported in patients and families with hereditary breast cancer and ovarian cancer (PMID: 16211554, 20020529, 22527104, 23479189) and is rarely observed in general population databases. Therefore, the c.7977-1G>C variant in the BRCA2 gene is classified as pathogenic.

Laboratory for Molecular Medicine, Mass General Brigham Personalized Medicine
Classification: Pathogenic for Hereditary breast ovarian cancer syndrome. Last evaluated: 2018-02-20. Review status: criteria provided, single submitter. Criteria: ACMG Guidelines, 2015. Collection method: clinical testing. Allele origin: germline. Inheritance: Autosomal dominant inheritance. Not counted in ClinVar's aggregate classification.
Comment: The c.7977-1G>C variant in BRCA2 has been reported in >100 individuals with BRCA2-associated cancers (Edwards 2003, Tesoriero 2005, Walsh 2011, Snape 2012, de Juan Jiménez 2013, Bowles 2014, Breast Cancer Information Core (BIC) database) and segregated with disease in at least 1 affected family member (Tesoriero 2005). It has also been identified in 2/125752 European chromosomes by the Genome Aggregation Database (gnomAD; dbSNP rs81002874); however, this frequency is low enough to be consistent with the frequency of hereditary breast and ovarian cancer (HBOC) in the general population. This variant occurs in the invariant region (+/- 1,2) of the splice consensus sequence and has been shown to cause altered splicing leading to an abnormal or absent protein (Tesoriero 2005, Fraile-Bethencourt 2017). Heterozygous loss of function of the BRCA2 gene is an established disease mechanism in HBOC. In summary, this variant meets criteria to be classified as pathogenic for hereditary breast and ovarian cancer syndrome in an autosomal dominant manner. ACMG/AMP criteria applied: PVS1; PS4; PS3_Moderate, PM2.

Fulgent Genetics
Classification: Pathogenic for Breast-ovarian cancer, familial, susceptibility to, 2. Last evaluated: 2015-10-22. Review status: criteria provided, single submitter. Criteria: ACMG Guidelines, 2015. Collection method: clinical testing. Allele origin: unknown. Not counted in ClinVar's aggregate classification.

Consortium of Investigators of Modifiers of BRCA1/2 (CIMBA), c/o University of Cambridge
Classification: Pathogenic for Breast-ovarian cancer, familial, susceptibility to, 2. Last evaluated: 2015-10-02. Review status: criteria provided, single submitter. Criteria: CIMBA Mutation Classification guidelines May 2016. Collection method: clinical testing. Allele origin: germline. Not counted in ClinVar's aggregate classification.

Counsyl
Classification: Pathogenic for Breast-ovarian cancer, familial, susceptibility to, 2. Last evaluated: 2016-05-24. Review status: no assertion criteria provided. Collection method: clinical testing. Allele origin: unknown. Not counted in ClinVar's aggregate classification.

Research Molecular Genetics Laboratory, Women's College Hospital, University of Toronto
Classification: Pathogenic for Hereditary breast ovarian cancer syndrome. Last evaluated: 2014-01-31. Review status: no assertion criteria provided. Collection method: research. Allele origin: germline. Affected: yes. Study: The Canadian Open Genetics Repository (COGR). Not counted in ClinVar's aggregate classification.

Sharing Clinical Reports Project (SCRP)
Classification: Pathogenic for Breast-ovarian cancer, familial 2. Last evaluated: 2012-05-01. Review status: no assertion criteria provided. Collection method: clinical testing. Allele origin: germline. Not counted in ClinVar's aggregate classification.

Breast Cancer Information Core (BIC) (BRCA2)
Classification: Pathogenic for Breast-ovarian cancer, familial 2. Last evaluated: 2002-05-29. Review status: no assertion criteria provided. Collection method: clinical testing. Allele origin: germline. Affected: yes. Observed: 17 variant alleles. Not counted in ClinVar's aggregate classification.

Literature cited by the submitters: PubMed 20020529 (cited by 4 submitters); PubMed 28339459 (cited by 7 submitters); PubMed 31131967 (cited by 3 submitters); PubMed 12474142 (cited by 7 submitters); PubMed 16211554 (cited by 6 submitters); PubMed 22006311 (cited by 6 submitters); PubMed 23479189 (cited by 9 submitters); PubMed 28008555 (cited by 4 submitters); PubMed 15728167 (cited by Color Diagnostics, LLC DBA Color Health and Counsyl); PubMed 20736950 (cited by 3 submitters); PubMed 22527104 (cited by 5 submitters); PubMed 22711857 (cited by Color Diagnostics, LLC DBA Color Health and Quest Diagnostics Nichols Institute San Juan Capistrano); PubMed 23569316 (cited by Color Diagnostics, LLC DBA Color Health and Quest Diagnostics Nichols Institute San Juan Capistrano); PubMed 31853058 (cited by Color Diagnostics, LLC DBA Color Health); PubMed 32918181 (cited by Color Diagnostics, LLC DBA Color Health and Sema4); PubMed 33471991 (cited by 3 submitters); PubMed 34500047 (cited by Color Diagnostics, LLC DBA Color Health); PubMed 29446198 (cited by Sema4 and Quest Diagnostics Nichols Institute San Juan Capistrano); PubMed 34399810 (cited by Sema4); PubMed 25085752 (cited by Quest Diagnostics Nichols Institute San Juan Capistrano and Laboratory for Molecular Medicine, Mass General Brigham Personalized Medicine); PubMed 25685387 (cited by Quest Diagnostics Nichols Institute San Juan Capistrano); PubMed 23747895 (cited by Quest Diagnostics Nichols Institute San Juan Capistrano); PubMed 2206311 (cited by Department of Pathology and Laboratory Medicine, Sinai Health System); PubMed 21285146 (cited by Laboratory for Molecular Medicine, Mass General Brigham Personalized Medicine).